The following is an entry in ClinVar:

ClinVar aggregate classification (germline): Uncertain significance. Review status: criteria provided, multiple submitters, no conflicts (2 of 4 stars). 2 submissions from 2 submitters: Uncertain significance (2). Last evaluated 2025-11-01.

Conditions:
Hereditary cancer-predisposing syndrome. Also called: Tumor predisposition; Hereditary neoplastic syndrome; Hereditary Cancer Syndrome; Neoplastic Syndromes, Hereditary. Identifiers: Orphanet 140162, MedGen C0027672, MeSH D009386, MONDO:0015356.

Allele frequency attached by ClinVar (database versions not stated): gnomAD exomes below 0.00001.
gnomAD v4.1: 1 of 1,585,756 alleles (0.000063%); highest among the groups gnomAD compares: East Asian, 0.0022%; no homozygotes.

Submissions (2):

Ambry Genetics
Classification: Uncertain significance for Hereditary cancer-predisposing syndrome. Last evaluated: 2025-11-01. Review status: criteria provided, single submitter. Criteria: Ambry Variant Classification Scheme 2023. Collection method: clinical testing. Allele origin: germline.
Comment: The p.A760P variant (also known as c.2278G>C), located in coding exon 16 of the MSH3 gene, results from a G to C substitution at nucleotide position 2278. The alanine at codon 760 is replaced by proline, an amino acid with highly similar properties. This amino acid position is conserved. In addition, this alteration is predicted to be tolerated by in silico analysis. Based on the available evidence, the clinical significance of this variant remains unclear.

Labcorp Genetics (formerly Invitae), Labcorp
Classification: Uncertain significance. Last evaluated: 2021-09-01. Review status: criteria provided, single submitter. Criteria: Invitae Variant Classification Sherloc (09022015). Collection method: clinical testing. Allele origin: germline.
Comment: This sequence change replaces alanine with proline at codon 760 of the MSH3 protein (p.Ala760Pro). The alanine residue is moderately conserved and there is a small physicochemical difference between alanine and proline. This variant is not present in population databases (ExAC no frequency). This variant has not been reported in the literature in individuals affected with MSH3-related conditions. Algorithms developed to predict the effect of missense changes on protein structure and function are either unavailable or do not agree on the potential impact of this missense change (SIFT: "Tolerated"; PolyPhen-2: "Possibly Damaging"; Align-GVGD: "Class C0"). In summary, the available evidence is currently insufficient to determine the role of this variant in disease. Therefore, it has been classified as a Variant of Uncertain Significance.

NM_002439.5(MSH3):c.2278G>C (p.Ala760Pro)

Gene: MSH3 (mutS homolog 3; plus strand). Cytogenetic location: 5q14.1.
Variant type: single nucleotide variant.
Coding change: c.2278G>C on transcript NM_002439.5 (MANE Select); coding-DNA position 2278, G replaced by C.
Protein change: p.Ala760Pro; replaces alanine 760 with proline.
Molecular consequence: missense variant.
Genome position (GRCh38, 1-based): chr5:80,775,718, G>C. VCF-style: chr5-80775718-G-C. GRCh37 (hg19) VCF-style: chr5-80071537-G-C.
Other names: c.2278G>C (NM_002439.3); short protein forms A760P.
Identifiers: ClinVar variation 935060 (VCV000935060.8), dbSNP rs1744285969, ClinGen allele CA360280783.
Genomic context (GRCh38, chr5:80,775,718, plus strand): 5'-CTTATCTAAATCTCTGTTTATTTGTATTTGTTTTAGTTTATGATAGAAATAAAGAACTCT[G>C]CTGTATCTTGTATACCAACTGATTGGGTAAAGGTTGGAAGGTAGGTTTAAAATAAATTTT-3'
Protein context (NP_002430.3, residues 750-770): QEFMIEIKNS[Ala760Pro]VSCIPTDWVK